The following is an entry in ClinVar:

ClinVar aggregate classification (germline): Uncertain significance (1 of 4 stars; one submission).

Submission:

Ambry Genetics
Classification: Uncertain significance. Last evaluated: 2022-04-22. Review status: criteria provided, single submitter. Criteria: Ambry Variant Classification Scheme 2023. Collection method: clinical testing. Allele origin: germline.
Comment: The p.E1617G variant (also known as c.4850A>G), located in coding exon 43 of the KIF1B gene, results from an A to G substitution at nucleotide position 4850. The glutamic acid at codon 1617 is replaced by glycine, an amino acid with similar properties. This amino acid position is conserved. In addition, this alteration is predicted to be tolerated by in silico analysis. Since supporting evidence is limited at this time, the clinical significance of this alteration remains unclear.

NM_001365951.3(KIF1B):c.4988A>G (p.Glu1663Gly)

Gene: KIF1B (kinesin family member 1B; plus strand). Cytogenetic location: 1p36.22.
Variant type: single nucleotide variant.
Coding change: c.4988A>G on transcript NM_001365951.3 (MANE Select); coding-DNA position 4988, A replaced by G.
Protein change: p.Glu1663Gly; replaces glutamic acid 1663 with glycine.
Molecular consequence: missense variant.
Genome position (GRCh38, 1-based): chr1:10,374,357, A>G. VCF-style: chr1-10374357-A-G. GRCh37 (hg19) VCF-style: chr1-10434415-A-G.
Other names: c.4988A>G, p.Glu1663Gly (NM_001365952.1); c.4850A>G, p.Glu1617Gly (NM_015074.3); short protein forms E1663G, E1617G.
Identifiers: ClinVar variation 1743581 (VCV001743581.2), dbSNP rs1638827878, ClinGen allele CA338328892.
Genomic context (GRCh38, chr1:10,374,357, plus strand): 5'-TAATCTCTCTATTTTAAAGGACCCCAGAAGCCAATTCCCGGGCCTCTAGTCCCTGCCCAG[A>G]ATTTGAACAGTTTCAGATTGTCCCAGCTGTGGAAACACCATATTTGGCCCGAGCAGGAAA-3'
Protein context (NP_001352880.1, residues 1653-1673): ANSRASSPCP[Glu1663Gly]FEQFQIVPAV